The following is an entry in ClinVar:

ClinVar aggregate classification (germline): Likely benign. Review status: criteria provided, single submitter (1 of 4 stars). 2 submissions from 2 submitters: Likely benign (1). 1 of the submissions does not count toward it. Last evaluated 2023-03-07.

Conditions:
RPL5-related disorder. Also called: RPL5-related condition.
Diamond-Blackfan anemia. Also called: Blackfan Diamond syndrome; Aregenerative anemia chronic congenital; Red cell aplasia, pure hereditary; Congenital hypoplastic anemia; Aase syndrome. Identifiers: Orphanet 124, MedGen C1260899, MeSH D029503, MONDO:0015253, HP:0004810.

Allele frequency attached by ClinVar (database versions not stated): gnomAD exomes 0.00001; TOPMed below 0.00001; gnomAD 0.00001.
gnomAD v4.1: 20 of 1,612,268 alleles (0.0012%); highest among the groups gnomAD compares: South Asian, 0.0088%; no homozygotes.

Submissions (2):

Labcorp Genetics (formerly Invitae), Labcorp
Classification: Likely benign for Diamond-Blackfan anemia. Last evaluated: 2023-03-07. Review status: criteria provided, single submitter. Criteria: Invitae Variant Classification Sherloc (09022015). Collection method: clinical testing. Allele origin: germline.

PreventionGenetics, part of Exact Sciences
Classification: Likely benign for RPL5-related condition. Last evaluated: 2020-06-30. Review status: no assertion criteria provided. Collection method: clinical testing. Allele origin: germline. Not counted in ClinVar's aggregate classification.
Comment: This variant is classified as likely benign based on ACMG/AMP sequence variant interpretation guidelines (Richards et al. 2015 PMID: 25741868, with internal and published modifications).

NM_000969.5(RPL5):c.527+10C>T

Genes: DIPK1A (divergent protein kinase domain 1A; minus strand), RPL5 (ribosomal protein L5; plus strand). Cytogenetic location: 1p22.1.
Variant type: single nucleotide variant.
Coding change: c.527+10C>T on transcript NM_000969.5 (MANE Select); 10 bases into the intron after coding-DNA position 527, C replaced by T.
Molecular consequence: intron variant.
Genome position (GRCh38, 1-based): chr1:92,836,402, C>T. VCF-style: chr1-92836402-C-T. GRCh37 (hg19) VCF-style: chr1-93301959-C-T.
Other names: c.475-3368G>A (NM_001252273.2).
Identifiers: ClinVar variation 1127197 (VCV001127197.11), dbSNP rs779348774, ClinGen allele CA952474.